The following is an entry in ClinVar:

NM_001099922.3(ALG13):c.3013C>A (p.Pro1005Thr)

Gene: ALG13 (ALG13 UDP-N-acetylglucosaminyltransferase subunit; plus strand). Cytogenetic location: Xq23.
Variant type: single nucleotide variant.
Coding change: c.3013C>A on transcript NM_001099922.3 (MANE Select); coding-DNA position 3013, C replaced by A.
Protein change: p.Pro1005Thr; replaces proline 1005 with threonine.
Molecular consequence: missense variant. On other transcripts: non-coding transcript variant (1).
Genome position (GRCh38, 1-based): chrX:111,757,627, C>A. VCF-style: chrX-111757627-C-A. GRCh37 (hg19) VCF-style: chrX-111000855-C-A.
Other names: c.2464C>A, p.Pro822Thr (NM_001257230.2, NM_001257234.2, NM_001257237.2); c.2779C>A, p.Pro927Thr (NM_001257231.2); c.2776C>A, p.Pro926Thr (NM_001324292.2); c.2290C>A, p.Pro764Thr (NM_001324293.1); short protein forms P1005T, P764T, P822T, P926T, P927T.
Identifiers: ClinVar variation 4686514 (VCV004686514.1).

ClinVar aggregate classification (germline): Uncertain significance (1 of 4 stars; one submission).

Submission:

GeneDx
Classification: Uncertain significance. Last evaluated: 2025-07-16. Review status: criteria provided, single submitter. Criteria: GeneDx Variant Classification Process June 2021. Collection method: clinical testing. Allele origin: germline. Affected: yes.
Comment: Has not been previously published as pathogenic or benign to our knowledge; Not observed at significant frequency in large population cohorts (gnomAD); In silico analysis supports that this missense variant has a deleterious effect on protein structure/function